The following is an entry in ClinVar:

ClinVar aggregate classification (germline): Likely benign. Review status: criteria provided, multiple submitters, no conflicts (2 of 4 stars). 4 submissions from 4 submitters: Likely benign (3). 1 of the submissions does not count toward it. Last evaluated 2025-04-17.

Conditions:
Inborn genetic diseases. Identifiers: MedGen C0950123, MeSH D030342.
KAT6A-related disorder. Also called: KAT6A-related condition.

Allele frequency attached by ClinVar (database versions not stated): gnomAD exomes 0.00008 and 0.00015; ExAC 0.00009.

Submissions (4):

Labcorp Genetics (formerly Invitae), Labcorp
Classification: Likely benign. Last evaluated: 2025-04-17. Review status: criteria provided, single submitter. Criteria: Invitae Variant Classification Sherloc (09022015). Collection method: clinical testing. Allele origin: germline.

Ambry Genetics
Classification: Likely benign for Inborn genetic diseases. Last evaluated: 2022-11-18. Review status: criteria provided, single submitter. Criteria: Ambry Variant Classification Scheme 2023. Collection method: clinical testing. Allele origin: germline.

GeneDx
Classification: Likely benign. Last evaluated: 2019-03-01. Review status: criteria provided, single submitter. Criteria: GeneDx Variant Classification Process June 2021. Collection method: clinical testing. Allele origin: germline. Affected: yes.

PreventionGenetics, part of Exact Sciences
Classification: Likely benign for KAT6A-related condition. Last evaluated: 2021-09-03. Review status: no assertion criteria provided. Collection method: clinical testing. Allele origin: germline. Not counted in ClinVar's aggregate classification.
Comment: This variant is classified as likely benign based on ACMG/AMP sequence variant interpretation guidelines (Richards et al. 2015 PMID: 25741868, with internal and published modifications).

NM_006766.5(KAT6A):c.5494A>G (p.Met1832Val)

Gene: KAT6A (lysine acetyltransferase 6A; minus strand). Cytogenetic location: 8p11.21.
Variant type: single nucleotide variant.
Coding change: c.5494A>G on transcript NM_006766.5 (MANE Select); coding-DNA position 5494, A replaced by G.
Protein change: p.Met1832Val; replaces methionine 1832 with valine.
Molecular consequence: missense variant.
Genome position (GRCh38, 1-based): chr8:41,932,726, T>C on the plus strand (A>G on the coding strand, the complement: KAT6A is on the minus strand). VCF-style: chr8-41932726-T-C. GRCh37 (hg19) VCF-style: chr8-41790244-T-C.
Other names: c.5494A>G (NM_006766.4); short protein forms M1832V.
Identifiers: ClinVar variation 1209314 (VCV001209314.11), dbSNP rs781560944, ClinGen allele CA4729296.